The following is an entry in ClinVar:

ClinVar aggregate classification (germline): Uncertain significance (1 of 4 stars; one submission).

Conditions:
Mowat-Wilson syndrome (MOWS). Also called: Classic Mowat-Wilson Syndrome. Identifiers: Orphanet 2152, MedGen C1856113, MONDO:0009341, OMIM 235730.

Submission:

Labcorp Genetics (formerly Invitae), Labcorp
Classification: Uncertain significance for Mowat-Wilson syndrome. Last evaluated: 2024-11-06. Review status: criteria provided, single submitter. Criteria: Invitae Variant Classification Sherloc (09022015). Collection method: clinical testing. Allele origin: germline.
Comment: This sequence change replaces serine, which is neutral and polar, with arginine, which is basic and polar, at codon 711 of the ZEB2 protein (p.Ser711Arg). This variant is not present in population databases (gnomAD no frequency). This variant has not been reported in the literature in individuals affected with ZEB2-related conditions. Invitae Evidence Modeling of protein sequence and biophysical properties (such as structural, functional, and spatial information, amino acid conservation, physicochemical variation, residue mobility, and thermodynamic stability) indicates that this missense variant is not expected to disrupt ZEB2 protein function with a negative predictive value of 80%. In summary, the available evidence is currently insufficient to determine the role of this variant in disease. Therefore, it has been classified as a Variant of Uncertain Significance.

NM_014795.4(ZEB2):c.2131A>C (p.Ser711Arg)

Gene: ZEB2 (zinc finger E-box binding homeobox 2; minus strand). Cytogenetic location: 2q22.3.
Variant type: single nucleotide variant.
Coding change: c.2131A>C on transcript NM_014795.4 (MANE Select); coding-DNA position 2131, A replaced by C.
Protein change: p.Ser711Arg; replaces serine 711 with arginine.
Molecular consequence: missense variant.
Genome position (GRCh38, 1-based): chr2:144,399,056, T>G on the plus strand (A>C on the coding strand, the complement: ZEB2 is on the minus strand). VCF-style: chr2-144399056-T-G. GRCh37 (hg19) VCF-style: chr2-145156623-T-G.
Other names: c.2059A>C, p.Ser687Arg (NM_001171653.2); short protein forms S711R, S687R.
Identifiers: ClinVar variation 3666566 (VCV003666566.2).